The following is an entry in ClinVar:

NM_004100.5(EYA4):c.-356T>C

Gene: EYA4 (EYA transcriptional coactivator and phosphatase 4; plus strand). Cytogenetic location: 6q23.2.
Variant type: single nucleotide variant.
Coding change: c.-356T>C on transcript NM_004100.5 (MANE Select); 356 bases upstream of the start codon, T replaced by C.
Molecular consequence: 5 prime UTR variant.
Genome position (GRCh38, 1-based): chr6:133,241,459, T>C. VCF-style: chr6-133241459-T-C. GRCh37 (hg19) VCF-style: chr6-133562597-T-C.
Other names: c.-356T>C (NM_001301012.2, NM_001301013.2, NM_001370458.1 and 3 more transcripts).
Identifiers: ClinVar variation 355437 (VCV000355437.6), dbSNP rs375432060, ClinGen allele CA10621457.

ClinVar aggregate classification (germline): Benign/Likely benign. Review status: criteria provided, multiple submitters, no conflicts (2 of 4 stars). 3 submissions from 2 submitters: Benign (1); Likely benign (2). Last evaluated 2018-01-13.

Conditions:
Dilated cardiomyopathy 1J (CMD1J). Also called: CARDIOMYOPATHY, DILATED, WITH SENSORINEURAL HEARING LOSS, AUTOSOMAL DOMINANT. Identifiers: Orphanet 217622, MedGen C1854368, MONDO:0011541, OMIM 605362.
Autosomal dominant nonsyndromic hearing loss 10. Identifiers: Orphanet 90635, MedGen C1832476, MONDO:0011031, OMIM 601316.

Allele frequency attached by ClinVar (database versions not stated): gnomAD 0.00104 and 0.00170; TOPMed 0.00192; 1000 Genomes Project 0.00799; 1000 Genomes Project 30x 0.01062.

Submissions (3):

Illumina Laboratory Services, Illumina
Classification: Likely benign for Dilated cardiomyopathy 1J. Last evaluated: 2018-01-13. Review status: criteria provided, single submitter. Criteria: ICSL Variant Classification Criteria 13 December 2019. Collection method: clinical testing. Allele origin: germline.
Comment: This variant was observed in the ICSL laboratory as part of a predisposition screen in an ostensibly healthy population. It had not been previously curated by ICSL or reported in the Human Gene Mutation Database (HGMD: prior to June 1st, 2018), and was therefore a candidate for classification through an automated scoring system. Utilizing variant allele frequency, disease prevalence and penetrance estimates, and inheritance mode, an automated score was calculated to assess if this variant is too frequent to cause the disease. Based on the score and internal cut-off values, a variant classified as likely benign is not then subjected to further curation. The score for this variant resulted in a classification of likely benign for this disease.

Illumina Laboratory Services, Illumina
Classification: Benign for Autosomal dominant nonsyndromic hearing loss 10. Last evaluated: 2018-01-13. Review status: criteria provided, single submitter. Criteria: ICSL Variant Classification Criteria 13 December 2019. Collection method: clinical testing. Allele origin: germline.
Comment: This variant was observed in the ICSL laboratory as part of a predisposition screen in an ostensibly healthy population. It had not been previously curated by ICSL or reported in the Human Gene Mutation Database (HGMD: prior to June 1st, 2018), and was therefore a candidate for classification through an automated scoring system. Utilizing variant allele frequency, disease prevalence and penetrance estimates, and inheritance mode, an automated score was calculated to assess if this variant is too frequent to cause the disease. Based on the score and internal cut-off values, a variant classified as benign is not then subjected to further curation. The score for this variant resulted in a classification of benign for this disease.

Breakthrough Genomics
Classification: Likely benign. Review status: criteria provided, single submitter. Criteria: ACMG Guidelines, 2015. Collection method: not provided. Allele origin: germline. Inheritance: Autosomal dominant inheritance. Affected: yes.